The following is an entry in ClinVar:

NM_000179.3(MSH6):c.2033A>G (p.Glu678Gly)

Gene: MSH6 (mutS homolog 6; plus strand). Cytogenetic location: 2p16.3.
Variant type: single nucleotide variant.
Coding change: c.2033A>G on transcript NM_000179.3 (MANE Select); coding-DNA position 2033, A replaced by G.
Protein change: p.Glu678Gly; replaces glutamic acid 678 with glycine.
Molecular consequence: missense variant.
Genome position (GRCh38, 1-based): chr2:47,800,016, A>G. VCF-style: chr2-47800016-A-G. GRCh37 (hg19) VCF-style: chr2-48027155-A-G.
Other names: c.1643A>G, p.Glu548Gly (NM_001281492.2); c.1127A>G, p.Glu376Gly (NM_001281493.2, NM_001281494.2); short protein forms E678G, E376G, E548G.
Identifiers: ClinVar variation 489975 (VCV000489975.15), dbSNP rs1553413404, ClinGen allele CA346750727.

ClinVar aggregate classification (germline): Uncertain significance. Review status: criteria provided, multiple submitters, no conflicts (2 of 4 stars). 5 submissions from 5 submitters: Uncertain significance (5). Last evaluated 2024-09-20.

Conditions:
Hereditary nonpolyposis colorectal neoplasms. Identifiers: MedGen C0009405, MeSH D003123.
Lynch syndrome. Identifiers: Orphanet 144, MedGen C4552100, MONDO:0005835. Disease mechanism: loss of function.
Hereditary cancer-predisposing syndrome. Also called: Tumor predisposition; Hereditary Cancer Syndrome; Neoplastic Syndromes, Hereditary; Hereditary neoplastic syndrome. Identifiers: Orphanet 140162, MedGen C0027672, MeSH D009386, MONDO:0015356.

Submissions (5):

Blueprint Genetics
Classification: Uncertain significance. Last evaluated: 2024-09-20. Review status: criteria provided, single submitter. Criteria: ACMG Guidelines, 2015. Collection method: clinical testing. Allele origin: germline.

Color Diagnostics, LLC DBA Color Health
Classification: Uncertain significance for Hereditary cancer-predisposing syndrome. Last evaluated: 2024-03-06. Review status: criteria provided, single submitter. Criteria: ACMG Guidelines, 2015. Collection method: clinical testing. Allele origin: germline.
Comment: This missense variant replaces glutamic acid with glycine at codon 678 of the MSH6 protein. Computational prediction suggests that this variant may have deleterious impact on protein structure and function (internally defined REVEL score threshold >= 0.7, PMID: 27666373). To our knowledge, functional studies have not been reported for this variant. This variant has not been reported in individuals affected with MSH6-related disorders in the literature. This variant has not been identified in the general population by the Genome Aggregation Database (gnomAD). The available evidence is insufficient to determine the role of this variant in disease conclusively. Therefore, this variant is classified as a Variant of Uncertain Significance.

Ambry Genetics
Classification: Uncertain significance for Hereditary cancer-predisposing syndrome. Last evaluated: 2024-02-09. Review status: criteria provided, single submitter. Criteria: Ambry Variant Classification Scheme 2023. Collection method: clinical testing. Allele origin: germline.
Comment: The p.E678G variant (also known as c.2033A>G), located in coding exon 4 of the MSH6 gene, results from an A to G substitution at nucleotide position 2033. The glutamic acid at codon 678 is replaced by glycine, an amino acid with similar properties. This amino acid position is highly conserved in available vertebrate species. In addition, this alteration is predicted to be deleterious by in silico analysis. Based on the available evidence, the clinical significance of this alteration remains unclear.

All of Us Research Program, National Institutes of Health
Classification: Uncertain significance for Lynch syndrome. Last evaluated: 2023-05-30. Review status: criteria provided, single submitter. Criteria: ACMG Guidelines, 2015. Collection method: clinical testing. Allele origin: germline. Inheritance: Autosomal dominant inheritance. Observed: 2 variant alleles, 2 heterozygotes.
Comment: This missense variant replaces glutamic acid with glycine at codon 678 of the MSH6 protein. Computational prediction suggests that this variant may have deleterious impact on protein structure and function (internally defined REVEL score threshold >= 0.7, PMID: 27666373). To our knowledge, functional studies have not been reported for this variant. This variant has not been reported in individuals affected with MSH6-related disorders in the literature. This variant has not been identified in the general population by the Genome Aggregation Database (gnomAD). The available evidence is insufficient to determine the role of this variant in disease conclusively. Therefore, this variant is classified as a Variant of Uncertain Significance.

This study involves interpretation of variants in research participants for the purpose of population health screening. Participant phenotype was not available at the time of variant classification. Additional details can be found in publication PMID: 35346344, PMCID: PMC8962531

Labcorp Genetics (formerly Invitae), Labcorp
Classification: Uncertain significance for Hereditary nonpolyposis colorectal neoplasms. Last evaluated: 2023-03-03. Review status: criteria provided, single submitter. Criteria: Invitae Variant Classification Sherloc (09022015). Collection method: clinical testing. Allele origin: germline.
Comment: ClinVar contains an entry for this variant (Variation ID: 489975). Advanced modeling of protein sequence and biophysical properties (such as structural, functional, and spatial information, amino acid conservation, physicochemical variation, residue mobility, and thermodynamic stability) performed at Invitae indicates that this missense variant is not expected to disrupt MSH6 protein function. In summary, the available evidence is currently insufficient to determine the role of this variant in disease. Therefore, it has been classified as a Variant of Uncertain Significance. This variant has not been reported in the literature in individuals affected with MSH6-related conditions. This sequence change replaces glutamic acid, which is acidic and polar, with glycine, which is neutral and non-polar, at codon 678 of the MSH6 protein (p.Glu678Gly). This variant is not present in population databases (gnomAD no frequency).